The following is an entry in ClinVar:

ClinVar aggregate classification (germline): Conflicting classifications of pathogenicity. Review status: criteria provided, conflicting classifications (1 of 4 stars). 3 submissions from 3 submitters: Uncertain significance (2); Likely benign (1). Last evaluated 2026-07-28.

Conditions:
Rubinstein-Taybi syndrome (RSTS). Identifiers: Orphanet 783, MedGen C0035934, MONDO:0019188.
Inborn genetic diseases. Identifiers: MedGen C0950123, MeSH D030342.
CREBBP-related disorder. Also called: CREBBP-related condition; CREBBP-related disorders.

Allele frequency attached by ClinVar (database versions not stated): ExAC 0.00002.
gnomAD v4.1: 15 of 1,614,180 alleles (0.00093%); highest among the groups gnomAD compares: Admixed American, 0.0017%; no homozygotes.

Submissions (3):

PreventionGenetics, part of Exact Sciences
Classification: Uncertain significance for CREBBP-related condition. Last evaluated: 2026-07-28. Review status: criteria provided, single submitter. Criteria: ACMG Guidelines, 2015. Collection method: clinical testing. Allele origin: germline.
Comment: The CREBBP c.775G>T variant is predicted to result in the amino acid substitution p.Ala259Ser. To our knowledge, this variant has not been reported in the literature. This variant is reported in 0.0029% of alleles in individuals of Latino descent in gnomAD. Although we suspect that this variant may be benign, at this time, the clinical significance of this variant is uncertain due to the absence of conclusive functional and genetic evidence.

Ambry Genetics
Classification: Uncertain significance for Inborn genetic diseases. Last evaluated: 2026-04-23. Review status: criteria provided, single submitter. Criteria: Ambry Variant Classification Scheme 2023. Collection method: clinical testing. Allele origin: germline.
Comment: The c.775G>T (p.A259S) alteration is located in exon 2 (coding exon 2) of the CREBBP gene. This alteration results from a G to T substitution at nucleotide position 775, causing the alanine (A) at amino acid position 259 to be replaced by a serine (S). Based on data from gnomAD, the T allele has an overall frequency of 0.001% (3/250614) total alleles studied. The highest observed frequency was 0.003% (1/34592) of Latino alleles. Based on insufficient or conflicting evidence, the clinical significance of this alteration remains unclear.

Labcorp Genetics (formerly Invitae), Labcorp
Classification: Likely benign for Rubinstein-Taybi syndrome. Last evaluated: 2023-11-27. Review status: criteria provided, single submitter. Criteria: Invitae Variant Classification Sherloc (09022015). Collection method: clinical testing. Allele origin: germline.

NM_004380.3(CREBBP):c.775G>T (p.Ala259Ser)

Gene: CREBBP (CREB binding lysine acetyltransferase; minus strand). Cytogenetic location: 16p13.3.
Variant type: single nucleotide variant.
Coding change: c.775G>T on transcript NM_004380.3 (MANE Select); coding-DNA position 775, G replaced by T.
Protein change: p.Ala259Ser; replaces alanine 259 with serine.
Molecular consequence: missense variant.
Genome position (GRCh38, 1-based): chr16:3,850,320, C>A on the plus strand (G>T on the coding strand, the complement: CREBBP is on the minus strand). VCF-style: chr16-3850320-C-A. GRCh37 (hg19) VCF-style: chr16-3900321-C-A.
Other names: c.775G>T, p.Ala259Ser (NM_001079846.1); short protein forms A259S.
Identifiers: ClinVar variation 1760494 (VCV001760494.10), dbSNP rs750216784, ClinGen allele CA7870609.
Genomic context (GRCh38, chr16:3,850,320, plus strand): 5'-TAGGTAGGAAGTATTGAAAGTGCTTCAGTTCACTTACCTTGGCCATGCCTCCTGCCTGTG[C>A]GGTGTTCAGTCCCGCGTGACCAGTCATTTGCGGGGAAACCTGCGTTAGGGTCTCAGCCAG-3'
Protein context (NP_004371.2, residues 249-269): QMTGHAGLNT[Ala259Ser]QAGGMAKMGI